The following is an entry in ClinVar:

NM_174916.3(UBR1):c.1288C>T (p.His430Tyr)

Gene: UBR1 (ubiquitin protein ligase E3 component n-recognin 1; minus strand). Cytogenetic location: 15q15.2.
Variant type: single nucleotide variant.
Coding change: c.1288C>T on transcript NM_174916.3 (MANE Select); coding-DNA position 1288, C replaced by T.
Protein change: p.His430Tyr; replaces histidine 430 with tyrosine.
Molecular consequence: missense variant.
Genome position (GRCh38, 1-based): chr15:43,054,893, G>A on the plus strand (C>T on the coding strand, the complement: UBR1 is on the minus strand). VCF-style: chr15-43054893-G-A. GRCh37 (hg19) VCF-style: chr15-43347091-G-A.
Other names: c.1288C>T (NM_174916.2); short protein forms H430Y.
Identifiers: ClinVar variation 1507026 (VCV001507026.6), dbSNP rs930246370, ClinGen allele CA269935306.

ClinVar aggregate classification (germline): Uncertain significance. Review status: criteria provided, multiple submitters, no conflicts (2 of 4 stars). 2 submissions from 2 submitters: Uncertain significance (2). Last evaluated 2025-07-10.

Conditions:
Inborn genetic diseases. Identifiers: MedGen C0950123, MeSH D030342.

Allele frequency attached by ClinVar (database versions not stated): gnomAD exomes below 0.00001; TOPMed below 0.00001; gnomAD 0.00001.
gnomAD v4.1: 4 of 1,613,916 alleles (0.00025%); highest among the groups gnomAD compares: Non-Finnish European, 0.00034%; no homozygotes.

Submissions (2):

Labcorp Genetics (formerly Invitae), Labcorp
Classification: Uncertain significance. Last evaluated: 2025-07-10. Review status: criteria provided, single submitter. Criteria: Invitae Variant Classification Sherloc (09022015). Collection method: clinical testing. Allele origin: germline.
Comment: This sequence change replaces histidine, which is basic and polar, with tyrosine, which is neutral and polar, at codon 430 of the UBR1 protein (p.His430Tyr). This variant is present in population databases (no rsID available, gnomAD 0.002%). This variant has not been reported in the literature in individuals affected with UBR1-related conditions. ClinVar contains an entry for this variant (Variation ID: 1507026). Invitae Evidence Modeling of protein sequence and biophysical properties (such as structural, functional, and spatial information, amino acid conservation, physicochemical variation, residue mobility, and thermodynamic stability) indicates that this missense variant is not expected to disrupt UBR1 protein function with a negative predictive value of 80%. In summary, the available evidence is currently insufficient to determine the role of this variant in disease. Therefore, it has been classified as a Variant of Uncertain Significance.

Ambry Genetics
Classification: Uncertain significance for Inborn genetic diseases. Last evaluated: 2025-01-22. Review status: criteria provided, single submitter. Criteria: Ambry Variant Classification Scheme 2023. Collection method: clinical testing. Allele origin: germline.